The following is an entry in ClinVar:

NM_005902.4(SMAD3):c.448T>C (p.Phe150Leu)

Gene: SMAD3 (SMAD family member 3; plus strand). Cytogenetic location: 15q22.33.
Variant type: single nucleotide variant.
Coding change: c.448T>C on transcript NM_005902.4 (MANE Select); coding-DNA position 448, T replaced by C.
Protein change: p.Phe150Leu; replaces phenylalanine 150 with leucine.
Molecular consequence: missense variant.
Genome position (GRCh38, 1-based): chr15:67,165,300, T>C. VCF-style: chr15-67165300-T-C. GRCh37 (hg19) VCF-style: chr15-67457638-T-C.
Other names: c.133T>C, p.Phe45Leu (NM_001145102.2); c.316T>C, p.Phe106Leu (NM_001145103.2); short protein forms F106L, F45L, F150L.
Identifiers: ClinVar variation 838401 (VCV000838401.18), dbSNP rs751860407, ClinGen allele CA062250.

ClinVar aggregate classification (germline): Uncertain significance. Review status: criteria provided, multiple submitters, no conflicts (2 of 4 stars). 7 submissions from 7 submitters: Uncertain significance (7). Last evaluated 2024-10-16.

Conditions:
Familial thoracic aortic aneurysm and aortic dissection (TAAD). Also called: Thoracic aortic aneurysms and dissections. Identifiers: Orphanet 91387, MedGen C4707243, MONDO:0019625.
Aneurysm-osteoarthritis syndrome. Also called: SMAD3-Related Loeys-Dietz Syndrome; LOEYS-DIETZ SYNDROME WITH OSTEOARTHRITIS; ANEURYSMS-OSTEOARTHRITIS SYNDROME; Loeys-Dietz syndrome, type 1C. Identifiers: Orphanet 284984, MedGen C3151087, MONDO:0013426, OMIM 613795.

Allele frequency attached by ClinVar (database versions not stated): ExAC 0.00002.
gnomAD v4.1: 7 of 1,613,822 alleles (0.00043%); highest among the groups gnomAD compares: Non-Finnish European, 0.00059%; no homozygotes.

Submissions (7):

Ambry Genetics
Classification: Uncertain significance for Familial thoracic aortic aneurysm and aortic dissection. Last evaluated: 2024-10-16. Review status: criteria provided, single submitter. Criteria: Ambry Variant Classification Scheme 2023. Collection method: clinical testing. Allele origin: germline.
Comment: The p.F150L variant (also known as c.448T>C), located in coding exon 3 of the SMAD3 gene, results from a T to C substitution at nucleotide position 448. The phenylalanine at codon 150 is replaced by leucine, an amino acid with highly similar properties. This amino acid position is highly conserved in available vertebrate species. In addition, the in silico prediction for this alteration is inconclusive. Based on the available evidence, the clinical significance of this variant remains unclear.

Clinical Genomics Laboratory, Washington University in St. Louis
Classification: Uncertain significance for Aneurysm-osteoarthritis syndrome. Last evaluated: 2024-07-26. Review status: criteria provided, single submitter. Criteria: ACMG Guidelines, 2015. Collection method: clinical testing. Allele origin: germline.
Comment: The SMAD3 c.448T>C (p.Phe150Leu) variant was identified at a near heterozygous allelic fraction, a frequency which may be consistent with it being of germline origin. This variant, to our knowledge, has not been reported in the medical literature. This variant has been reported in the ClinVar database as a germline variant of uncertain significance by four submitters (ClinVar Variation ID: 838401). This variant is only observed on 7/1,613,822 alleles in the general population (gnomAD v4.1.0), indicating it is not a common variant. Computational predictors are uncertain as to the impact of this variant on SMAD3 function; however, a loss of protein function via aberrant splicing is not predicted to be likely. Due to limited information, and based on ACMG/AMP guidelines for variant interpretation (Richards S et al., PMID: 25741868), the clinical significance of the SMAD3 c.448T>C (p.Phe150Leu) variant is uncertain at this time.

All of Us Research Program, National Institutes of Health
Classification: Uncertain significance for Aneurysm-osteoarthritis syndrome. Last evaluated: 2024-04-10. Review status: criteria provided, single submitter. Criteria: ACMG Guidelines, 2015. Collection method: clinical testing. Allele origin: germline. Inheritance: Autosomal dominant inheritance. Observed: 2 variant alleles, 2 heterozygotes.
Comment: This missense variant replaces phenylalanine with leucine at codon 150 of the SMAD3 protein. Computational prediction suggests that this variant may not impact protein structure and function (internally defined REVEL score threshold <= 0.5, PMID: 27666373). Splice site prediction tools suggest that this variant may not impact RNA splicing. To our knowledge, functional studies have not been reported for this variant. This variant has not been reported in individuals affected with cardiovascular disorders in the literature. This variant has been identified in 2/251418 chromosomes in the general population by the Genome Aggregation Database (gnomAD). The available evidence is insufficient to determine the role of this variant in disease conclusively. Therefore, this variant is classified as a Variant of Uncertain Significance.

This study involves interpretation of variants in research participants for the purpose of population health screening. Participant phenotype was not available at the time of variant classification. Additional details can be found in publication PMID: 35346344, PMCID: PMC8962531

Color Diagnostics, LLC DBA Color Health
Classification: Uncertain significance for Familial thoracic aortic aneurysm and aortic dissection. Last evaluated: 2024-02-22. Review status: criteria provided, single submitter. Criteria: ACMG Guidelines, 2015. Collection method: clinical testing. Allele origin: germline.
Comment: This missense variant replaces phenylalanine with leucine at codon 150 of the SMAD3 protein. Computational prediction tools indicate that this variant has a neutral impact on protein structure and function. To our knowledge, functional studies have not been reported for this variant. This variant has not been reported in individuals affected with SMAD3-related disorders in the literature. This variant has been identified in 2/251418 chromosomes in the general population by the Genome Aggregation Database (gnomAD). The available evidence is insufficient to determine the role of this variant in disease conclusively. Therefore, this variant is classified as a Variant of Uncertain Significance.

GeneDx
Classification: Uncertain significance. Last evaluated: 2022-11-03. Review status: criteria provided, single submitter. Criteria: GeneDx Variant Classification Process June 2021. Collection method: clinical testing. Allele origin: germline. Affected: yes.
Comment: Has not been previously published as pathogenic or benign to our knowledge; Not observed at significant frequency in large population cohorts (gnomAD); In silico analysis supports that this missense variant does not alter protein structure/function

Labcorp Genetics (formerly Invitae), Labcorp
Classification: Uncertain significance for Familial thoracic aortic aneurysm and aortic dissection. Last evaluated: 2022-02-08. Review status: criteria provided, single submitter. Criteria: Invitae Variant Classification Sherloc (09022015). Collection method: clinical testing. Allele origin: germline.
Comment: This variant is present in population databases (rs751860407, gnomAD 0.002%). In summary, the available evidence is currently insufficient to determine the role of this variant in disease. Therefore, it has been classified as a Variant of Uncertain Significance. Advanced modeling of protein sequence and biophysical properties (such as structural, functional, and spatial information, amino acid conservation, physicochemical variation, residue mobility, and thermodynamic stability) performed at Invitae indicates that this missense variant is not expected to disrupt SMAD3 protein function. ClinVar contains an entry for this variant (Variation ID: 838401). This variant has not been reported in the literature in individuals affected with SMAD3-related conditions. This sequence change replaces phenylalanine, which is neutral and non-polar, with leucine, which is neutral and non-polar, at codon 150 of the SMAD3 protein (p.Phe150Leu).

Fulgent Genetics
Classification: Uncertain significance for Aneurysm-osteoarthritis syndrome. Last evaluated: 2021-11-09. Review status: criteria provided, single submitter. Criteria: ACMG Guidelines, 2015. Collection method: clinical testing. Allele origin: unknown.